The following is an entry in ClinVar:

ClinVar aggregate classification (germline): Uncertain significance. Review status: criteria provided, multiple submitters, no conflicts (2 of 4 stars). 2 submissions from 2 submitters: Uncertain significance (2). Last evaluated 2024-07-05.

Conditions:
Neurodevelopmental disorder with or without variable brain abnormalities; NEDBA. Also called: NEURODEVELOPMENTAL DISORDER WITH OR WITHOUT VARIABLE BRAIN ABNORMALITIES. Identifiers: MedGen C5193102, MONDO:0032755, OMIM 618443.
Inborn genetic diseases. Identifiers: MedGen C0950123, MeSH D030342.

Allele frequency attached by ClinVar (database versions not stated): gnomAD exomes below 0.00001; gnomAD 0.00001; TOPMed 0.00002.
gnomAD v4.1: 3 of 1,613,790 alleles (0.00019%); highest among the groups gnomAD compares: South Asian, 0.0011%; no homozygotes.

Submissions (2):

Ambry Genetics
Classification: Uncertain significance for Inborn genetic diseases. Last evaluated: 2024-07-05. Review status: criteria provided, single submitter. Criteria: Ambry Variant Classification Scheme 2023. Collection method: clinical testing. Allele origin: germline.

Baylor Genetics
Classification: Uncertain significance for Neurodevelopmental disorder with or without variable brain abnormalities; NEDBA. Last evaluated: 2019-12-17. Review status: criteria provided, single submitter. Criteria: ACMG Guidelines, 2015. Collection method: clinical testing. Allele origin: unknown. Affected: yes.
Comment: This variant was determined to be of uncertain significance according to ACMG Guidelines, 2015 [PMID:25741868].

NM_001318852.2(MAPK8IP3):c.1012G>A (p.Glu338Lys)

Gene: MAPK8IP3 (mitogen-activated protein kinase 8 interacting protein 3; plus strand). Cytogenetic location: 16p13.3.
Variant type: single nucleotide variant.
Coding change: c.1012G>A on transcript NM_001318852.2 (MANE Select); coding-DNA position 1012, G replaced by A.
Protein change: p.Glu338Lys; replaces glutamic acid 338 with lysine.
Molecular consequence: missense variant.
Genome position (GRCh38, 1-based): chr16:1,748,261, G>A. VCF-style: chr16-1748261-G-A. GRCh37 (hg19) VCF-style: chr16-1798262-G-A.
Other names: c.1009G>A, p.Glu337Lys (NM_001040439.2, NM_015133.5); c.1009G>A (NM_015133.3); short protein forms E337K, E338K.
Identifiers: ClinVar variation 1028985 (VCV001028985.2), dbSNP rs939755831, ClinGen allele CA276707278.
Genomic context (GRCh38, chr16:1,748,261, plus strand): 5'-CAGACCCTCTCCTGACCCCAGGTGCCCCTGTGCTCTCCCCTAGGCATGGGCAGCAGTGAC[G>A]AGTGGTCTGATGTTCAAGACATTATTGACTCCACGCCAGAGCTGGACATGTGTCCAGAGA-3'
Protein context (NP_001305781.1, residues 328-348): NVSIGMGSSD[Glu338Lys]WSDVQDIIDS